The following is an entry in ClinVar:

ClinVar aggregate classification (germline): Likely benign. Review status: criteria provided, multiple submitters, no conflicts (2 of 4 stars). 2 submissions from 2 submitters: Likely benign (2). Last evaluated 2023-07-22.

Conditions:
Catecholaminergic polymorphic ventricular tachycardia 1. Also called: VENTRICULAR TACHYCARDIA, CATECHOLAMINERGIC POLYMORPHIC, 1, WITH OR WITHOUT ATRIAL DYSFUNCTION AND/OR DILATED CARDIOMYOPATHY; RYR2-Related Catecholaminergic Polymorphic Ventricular Tachycardia; VENTRICULAR TACHYCARDIA, STRESS-INDUCED POLYMORPHIC 1. Identifiers: Orphanet 3286, MedGen C1631597, MONDO:0011484, OMIM 604772.

Submissions (2):

Labcorp Genetics (formerly Invitae), Labcorp
Classification: Likely benign for Catecholaminergic polymorphic ventricular tachycardia 1. Last evaluated: 2023-07-22. Review status: criteria provided, single submitter. Criteria: Invitae Variant Classification Sherloc (09022015). Collection method: clinical testing. Allele origin: germline.

GeneDx
Classification: Likely benign. Last evaluated: 2017-03-22. Review status: criteria provided, single submitter. Criteria: GeneDx Variant Classification (06012015). Collection method: clinical testing. Allele origin: germline. Affected: yes.
Comment: This variant is considered likely benign or benign based on one or more of the following criteria: it is a conservative change, it occurs at a poorly conserved position in the protein, it is predicted to be benign by multiple in silico algorithms, and/or has population frequency not consistent with disease.

NM_006073.4(TRDN):c.551-20T>C

Gene: TRDN (triadin; minus strand). Cytogenetic location: 6q22.31.
Variant type: single nucleotide variant.
Coding change: c.551-20T>C on transcript NM_006073.4 (MANE Select); 20 bases into the intron before coding-DNA position 551, T replaced by C.
Molecular consequence: intron variant.
Genome position (GRCh38, 1-based): chr6:123,512,382, A>G on the plus strand (T>C on the coding strand, the complement: TRDN is on the minus strand). VCF-style: chr6-123512382-A-G. GRCh37 (hg19) VCF-style: chr6-123833527-A-G.
Other names: c.551-20T>C (NM_001251987.2, NM_001256020.2, NM_001256021.2).
Identifiers: ClinVar variation 508352 (VCV000508352.4), dbSNP rs1554251627, ClinGen allele CA658796817.
Genomic context (GRCh38, chr6:123,512,382, plus strand): 5'-TTCTGGTTTTTCTTTTTTCTCAATTTTTTCCTTGTGAGTTGCTTAAACAGAAAATTTTAC[A>G]TTAGTACACATTTTTAATAGATTTCAAAACCAAGCTTTCTTTTGACCTCAGTTTCATAAG-3'